The following is an entry in ClinVar:

ClinVar aggregate classification (germline): Benign. Review status: criteria provided, multiple submitters, no conflicts (2 of 4 stars). 2 submissions from 2 submitters: Benign (2). Last evaluated 2018-01-12.

Conditions:
Neurofibromatosis, type 2 (SWNV). Also called: SCHWANNOMATOSIS, VESTIBULAR; BILATERAL ACOUSTIC NEUROFIBROMATOSIS; NF2-Related Schwannomatosis. Identifiers: Orphanet 637, MedGen C0027832, MONDO:0007039, OMIM 101000. Disease mechanism: loss of function.

Allele frequency attached by ClinVar (database versions not stated): 1000 Genomes Project 0.00200; 1000 Genomes Project 30x 0.00219; gnomAD 0.00248 and 0.00255; TOPMed 0.00286; gnomAD exomes 0.00463.
gnomAD v4.1: 784 of 233,514 alleles (0.34%); highest among the groups gnomAD compares: Middle Eastern, 2.9%; 5 homozygotes.

Submissions (2):

Illumina Laboratory Services, Illumina
Classification: Benign for Neurofibromatosis, type 2. Last evaluated: 2018-01-12. Review status: criteria provided, single submitter. Criteria: ICSL Variant Classification Criteria 13 December 2019. Collection method: clinical testing. Allele origin: germline.
Comment: This variant was observed in the ICSL laboratory as part of a predisposition screen in an ostensibly healthy population. It had not been previously curated by ICSL or reported in the Human Gene Mutation Database (HGMD: prior to June 1st, 2018), and was therefore a candidate for classification through an automated scoring system. Utilizing variant allele frequency, disease prevalence and penetrance estimates, and inheritance mode, an automated score was calculated to assess if this variant is too frequent to cause the disease. Based on the score and internal cut-off values, a variant classified as benign is not then subjected to further curation. The score for this variant resulted in a classification of benign for this disease.

Breakthrough Genomics
Classification: Benign. Review status: criteria provided, single submitter. Criteria: ACMG Guidelines, 2015. Collection method: not provided. Allele origin: germline. Inheritance: Autosomal dominant inheritance. Affected: yes.

NM_000268.4(NF2):c.*1087C>T

Gene: NF2 (NF2, moesin-ezrin-radixin like (MERLIN) tumor suppressor; plus strand). Cytogenetic location: 22q12.2.
Variant type: single nucleotide variant.
Coding change: c.*1087C>T on transcript NM_000268.4 (MANE Select); 1087 bases downstream of the stop codon, C replaced by T.
Molecular consequence: 3 prime UTR variant. On other transcripts: non-coding transcript variant (1).
Genome position (GRCh38, 1-based): chr22:29,695,889, C>T. VCF-style: chr22-29695889-C-T. GRCh37 (hg19) VCF-style: chr22-30091878-C-T.
Other names: c.*1147C>T (NM_016418.5, NM_181828.3, NM_181829.3 and 1 more transcripts); c.*1162C>T (NM_181832.3); c.*1087C>T (NM_181833.3).
Identifiers: ClinVar variation 341099 (VCV000341099.6), dbSNP rs148973148, ClinGen allele CA10650998.
Genomic context (GRCh38, chr22:29,695,889, plus strand): 5'-GTACCCAGGCCTCACTTTGCTGTTGCCCTTGTCCCTCTTCGGGCCCTGAATTTTCTGTTC[C>T]CTGGGGGCCAGCCAGGGCCCTTTGTGCCCCTCCCAGCACAGGCCTGATGCAGGTGTCCAC-3'